The following is an entry in ClinVar:

NC_000017.10:g.(?_16842861)_(16843845_?)del

Gene: TNFRSF13B (TNF receptor superfamily member 13B; minus strand). Cytogenetic location: 17p11.2.
Variant type: Deletion.
Identifiers: ClinVar variation 3243073 (VCV003243073.1).

ClinVar aggregate classification (germline): Pathogenic (1 of 4 stars; one submission).

Conditions:
Immunodeficiency, common variable, 2 (CVID2). Also called: HYPOGAMMAGLOBULINEMIA DUE TO TACI DEFICIENCY; ANTIBODY DEFICIENCY DUE TO TACI DEFECT. Identifiers: Orphanet 1572, MedGen C3150354, MONDO:0009413, OMIM 240500.

Submission:

Labcorp Genetics (formerly Invitae), Labcorp
Classification: Pathogenic for Immunodeficiency, common variable, 2. Last evaluated: 2023-09-06. Review status: criteria provided, single submitter. Criteria: Invitae Variant Classification Sherloc (09022015). Collection method: clinical testing. Allele origin: unknown.
Comment: For these reasons, this variant has been classified as Pathogenic. This variant disrupts a region of the TNFRSF13B protein in which other variant(s) (p.Ala181Glu) have been determined to be pathogenic (PMID: 16007086, 16007087, 19605846, 20156508, 23237420). This suggests that this is a clinically significant region of the protein, and that variants that disrupt it are likely to be disease-causing. This variant has not been reported in the literature in individuals affected with TNFRSF13B-related conditions. This variant is a gross deletion of the genomic region encompassing exon(s) 4-5 of the TNFRSF13B gene, which includes the termination codon. This deletion extends beyond the assayed region for this gene and therefore may encompass additional genes. While this deletion is not anticipated to lead to nonsense mediated decay, it is expected to alter mRNA translation or result in a truncated protein product.

Literature cited by the submitters: PubMed 16007086; PubMed 16007087; PubMed 19605846; PubMed 20156508; PubMed 23237420.